The following is an entry in ClinVar:

ClinVar aggregate classification (germline): Uncertain significance. Review status: criteria provided, multiple submitters, no conflicts (2 of 4 stars). 2 submissions from 2 submitters: Uncertain significance (2). Last evaluated 2023-03-02.

Conditions:
Hereditary cancer-predisposing syndrome. Also called: Hereditary Cancer Syndrome; Hereditary neoplastic syndrome; Neoplastic Syndromes, Hereditary; Tumor predisposition. Identifiers: Orphanet 140162, MedGen C0027672, MeSH D009386, MONDO:0015356.
Gastrointestinal stromal tumor. Also called: Gastrointestinal stroma tumor; Gastrointestinal stromal tumor, somatic. Identifiers: Orphanet 44890, MedGen C0238198, MeSH D046152, MONDO:0011719, OMIM 606764, HP:0100723.

Allele frequency attached by ClinVar (database versions not stated): gnomAD exomes below 0.00001.

Submissions (2):

Ambry Genetics
Classification: Uncertain significance for Hereditary cancer-predisposing syndrome. Last evaluated: 2023-03-02. Review status: criteria provided, single submitter. Criteria: Ambry Variant Classification Scheme 2023. Collection method: clinical testing. Allele origin: germline.
Comment: The p.N320S variant (also known as c.959A>G), located in coding exon 6 of the KIT gene, results from an A to G substitution at nucleotide position 959. The asparagine at codon 320 is replaced by serine, an amino acid with highly similar properties. This amino acid position is conserved. In addition, this alteration is predicted to be tolerated by in silico analysis. Since supporting evidence is limited at this time, the clinical significance of this alteration remains unclear.

Labcorp Genetics (formerly Invitae), Labcorp
Classification: Uncertain significance for Gastrointestinal stromal tumor. Last evaluated: 2022-06-26. Review status: criteria provided, single submitter. Criteria: Invitae Variant Classification Sherloc (09022015). Collection method: clinical testing. Allele origin: germline.
Comment: In summary, the available evidence is currently insufficient to determine the role of this variant in disease. Therefore, it has been classified as a Variant of Uncertain Significance. Algorithms developed to predict the effect of missense changes on protein structure and function (SIFT, PolyPhen-2, Align-GVGD) all suggest that this variant is likely to be tolerated. This variant has not been reported in the literature in individuals affected with KIT-related conditions. This variant is not present in population databases (gnomAD no frequency). This sequence change replaces asparagine, which is neutral and polar, with serine, which is neutral and polar, at codon 320 of the KIT protein (p.Asn320Ser).

NM_000222.3(KIT):c.959A>G (p.Asn320Ser)

Gene: KIT (KIT proto-oncogene, receptor tyrosine kinase; plus strand). Cytogenetic location: 4q12.
Variant type: single nucleotide variant.
Coding change: c.959A>G on transcript NM_000222.3 (MANE Select); coding-DNA position 959, A replaced by G.
Protein change: p.Asn320Ser; replaces asparagine 320 with serine.
Molecular consequence: missense variant.
Genome position (GRCh38, 1-based): chr4:54,707,131, A>G. VCF-style: chr4-54707131-A-G. GRCh37 (hg19) VCF-style: chr4-55573297-A-G.
Other names: c.959A>G, p.Asn320Ser (NM_001093772.2, NM_001385285.1, NM_001385286.1); c.962A>G, p.Asn321Ser (NM_001385284.1, NM_001385288.1, NM_001385290.1 and 1 more transcripts); short protein forms N321S, N320S.
Identifiers: ClinVar variation 2117783 (VCV002117783.6), dbSNP rs2475478492, ClinGen allele CA356900800.